The following is an entry in ClinVar:

NM_001365276.2(TNXB):c.8733C>T (p.Asn2911=)

Gene: TNXB (tenascin XB; minus strand). Cytogenetic location: 6p21.33.
Variant type: single nucleotide variant.
Coding change: c.8733C>T on transcript NM_001365276.2 (MANE Select); coding-DNA position 8733, C replaced by T.
Protein change: p.Asn2911=; no amino-acid change (asparagine 2911 retained).
Molecular consequence: synonymous variant.
Genome position (GRCh38, 1-based): chr6:32,053,446, G>A on the plus strand (C>T on the coding strand, the complement: TNXB is on the minus strand). VCF-style: chr6-32053446-G-A. GRCh37 (hg19) VCF-style: chr6-32021223-G-A.
Other names: c.8727C>T, p.Asn2909= (NM_019105.8).
Identifiers: ClinVar variation 1764457 (VCV001764457.16), dbSNP rs762095976, ClinGen allele CA3733765.

ClinVar aggregate classification (germline): Likely benign. Review status: criteria provided, multiple submitters, no conflicts (2 of 4 stars). 2 submissions from 2 submitters: Likely benign (2). Last evaluated 2024-09-01.

Conditions:
Cardiovascular phenotype. Identifiers: MedGen CN230736.

Allele frequency attached by ClinVar (database versions not stated): ExAC 0.00003.
gnomAD v4.1: 23 of 1,613,134 alleles (0.0014%); highest among the groups gnomAD compares: African/African-American, 0.004%; no homozygotes.

Submissions (2):

CeGaT Center for Human Genetics Tuebingen
Classification: Likely benign. Last evaluated: 2024-09-01. Review status: criteria provided, single submitter. Criteria: CeGaT Center For Human Genetics Tuebingen Variant Classification Criteria Version 2. Collection method: clinical testing. Allele origin: germline. Affected: yes. Observed: 1 variant allele.
Comment: TNXB: BP4, BP7

Ambry Genetics
Classification: Likely benign for Cardiovascular phenotype. Last evaluated: 2020-03-16. Review status: criteria provided, single submitter. Criteria: Ambry Variant Classification Scheme 2023. Collection method: clinical testing. Allele origin: germline.